The following is an entry in ClinVar:

NM_000059.4(BRCA2):c.8219dup (p.Leu2740fs)

Gene: BRCA2 (BRCA2 DNA repair associated; plus strand). Cytogenetic location: 13q13.1.
Variant type: Duplication.
Coding change: c.8219dup on transcript NM_000059.4 (MANE Select); coding-DNA position 8219, one base duplicated (T; older notation c.8219dupT).
Protein change: p.Leu2740fs; shifts the reading frame from leucine 2740.
Molecular consequence: frameshift variant.
Genome position (GRCh38, 1-based): chr13:32,363,421, T duplicated; the last of 2 consecutive T bases (chr13:32,363,420-32,363,421); duplicating either gives the same sequence. VCF-style (leftmost placement, unchanged base first): chr13-32363419-C-CT. GRCh37 (hg19) VCF-style: chr13-32937556-C-CT.
Other names: 8447insT; c.8219dupT (NM_000059.3); short protein forms L2740fs.
Identifiers: ClinVar variation 126170 (VCV000126170.4), dbSNP rs80359697, ClinGen allele CA025522.

ClinVar aggregate classification (germline): Pathogenic. Review status: reviewed by expert panel (3 of 4 stars). 2 submissions from 2 submitters: Pathogenic (1). 1 of the submissions does not count toward it. Last evaluated 2016-09-08.

Conditions:
Breast-ovarian cancer, familial, susceptibility to, 2 (BROVCA2). Also called: BRCA2 Hereditary Breast and Ovarian Cancer. Identifiers: Orphanet 145, MedGen C2675520, MONDO:0012933, OMIM 612555. Disease mechanism: loss of function.

Submissions (2):

Evidence-based Network for the Interpretation of Germline Mutant Alleles (ENIGMA)
Classification: Pathogenic for Breast-ovarian cancer, familial, susceptibility to, 2. Last evaluated: 2016-09-08. Review status: reviewed by expert panel. Criteria: ENIGMA BRCA1/2 Classification Criteria (2015). Collection method: curation. Allele origin: germline.
Comment: Variant allele predicted to encode a truncated non-functional protein.

Breast Cancer Information Core (BIC) (BRCA2)
Classification: Pathogenic for Breast-ovarian cancer, familial 2. Last evaluated: 2003-12-23. Review status: no assertion criteria provided. Collection method: clinical testing. Allele origin: germline. Affected: yes. Observed: 1 variant allele. Not counted in ClinVar's aggregate classification.